The following is an entry in ClinVar:

NM_004958.4(MTOR):c.162+5T>A

Gene: MTOR (mechanistic target of rapamycin kinase; minus strand). Cytogenetic location: 1p36.22.
Variant type: single nucleotide variant.
Coding change: c.162+5T>A on transcript NM_004958.4 (MANE Select); 5 bases into the intron after coding-DNA position 162, T replaced by A.
Molecular consequence: intron variant.
Genome position (GRCh38, 1-based): chr1:11,259,243, A>T on the plus strand (T>A on the coding strand, the complement: MTOR is on the minus strand). VCF-style: chr1-11259243-A-T. GRCh37 (hg19) VCF-style: chr1-11319300-A-T.
Other names: c.-978+5T>A (NM_001386501.1); c.162+5T>A (NM_001386500.1).
Identifiers: ClinVar variation 1919278 (VCV001919278.5), dbSNP rs1486541436, ClinGen allele CA885599513.
Genomic context (GRCh38, chr1:11,259,243, plus strand): 5'-TAAACCAGTGATGGTACATTTAGCCCACACATCCCACAATGACTGGCCCCAGATCCCAGA[A>T]GCACCTCTCGGAGTTCCATGGTGACATAGTGCTGGAGCTCCTTGGCGGCTTTGGCCCTGG-3'

ClinVar aggregate classification (germline): Uncertain significance (1 of 4 stars; one submission).

Submission:

Labcorp Genetics (formerly Invitae), Labcorp
Classification: Uncertain significance. Last evaluated: 2022-10-10. Review status: criteria provided, single submitter. Criteria: Invitae Variant Classification Sherloc (09022015). Collection method: clinical testing. Allele origin: germline.
Comment: In summary, the available evidence is currently insufficient to determine the role of this variant in disease. Therefore, it has been classified as a Variant of Uncertain Significance. Variants that disrupt the consensus splice site are a relatively common cause of aberrant splicing (PMID: 17576681, 9536098). Algorithms developed to predict the effect of sequence changes on RNA splicing suggest that this variant is not likely to affect RNA splicing. This variant has not been reported in the literature in individuals affected with MTOR-related conditions. This variant is not present in population databases (gnomAD no frequency). This sequence change falls in intron 2 of the MTOR gene. It does not directly change the encoded amino acid sequence of the MTOR protein. It affects a nucleotide within the consensus splice site.

Literature cited by the submitters: PubMed 17576681; PubMed 9536098.